The following is an entry in ClinVar:

ClinVar aggregate classification (germline): Pathogenic (0 of 4 stars; one submission).

Conditions:
Alkaptonuria (AKU). Also called: Alkaptonuric ochronosis; Homogentisic acidura; Alcaptonuria; HOMOGENTISIC ACID OXIDASE DEFICIENCY. Identifiers: Orphanet 56, MedGen C0002066, MONDO:0008753, OMIM 203500.

Submission:

Department Of Human Genetics, Institute Of Clinical And Translational Research, Biomedical Research Center, Slovak Academy Of Sciences
Classification: Pathogenic for Alkaptonuria. Review status: no assertion criteria provided. Collection method: research. Allele origin: germline. Inheritance: Autosomal recessive inheritance. Affected: yes. Observed: 2 variant alleles.
Comment: The variant was originally described in AKU patient in PMID:30737480. It has been submitted to the HGD gene mutation database (DB-ID: AKU_00177).

Literature cited by the submitters: PubMed 30737480.

NM_000187.4(HGD):c.291G>C (p.Trp97Cys)

Gene: HGD (homogentisate 1,2-dioxygenase; minus strand). Cytogenetic location: 3q13.33.
Variant type: single nucleotide variant.
Coding change: c.291G>C on transcript NM_000187.4 (MANE Select); coding-DNA position 291, G replaced by C.
Protein change: p.Trp97Cys; replaces tryptophan 97 with cysteine.
Molecular consequence: missense variant.
Genome position (GRCh38, 1-based): chr3:120,652,643, C>G on the plus strand (G>C on the coding strand, the complement: HGD is on the minus strand). VCF-style: chr3-120652643-C-G. GRCh37 (hg19) VCF-style: chr3-120371490-C-G.
Other names: short protein forms W97C.
Identifiers: ClinVar variation 2626830 (VCV002626830.1), dbSNP rs766714128, ClinGen allele CA354078777.